The following is an entry in ClinVar:

ClinVar aggregate classification (germline): Uncertain significance (1 of 4 stars; one submission).

Conditions:
Inborn genetic diseases. Identifiers: MedGen C0950123, MeSH D030342.

Allele frequency attached by ClinVar (database versions not stated): gnomAD exomes 0.00001; ExAC 0.00002.
gnomAD v4.1: 6 of 1,614,210 alleles (0.00037%); highest among the groups gnomAD compares: South Asian, 0.0066%; 1 homozygote.

Submission:

Ambry Genetics
Classification: Uncertain significance for Inborn genetic diseases. Last evaluated: 2016-09-07. Review status: criteria provided, single submitter. Criteria: Ambry Variant Classification Scheme 2023. Collection method: clinical testing. Allele origin: germline.
Comment: The p.L607F variant (also known as c.1819C>T), located in coding exon 17 of the ATP13A2 gene, results from a C to T substitution at nucleotide position 1819. The leucine at codon 607 is replaced by phenylalanine, an amino acid with highly similar properties. This variant was not reported in population based cohorts in the following databases: Database of Single Nucleotide Polymorphisms (dbSNP), NHLBI Exome Sequencing Project (ESP), and 1000 Genomes Project. In the ESP, this variant was not observed in 6503 samples (13006 alleles) with coverage at this position. This amino acid position is not well conserved in available vertebrate species. In addition, this alteration is predicted to be tolerated by in silico analysis. Since supporting evidence is limited at this time, the clinical significance of this alteration remains unclear.

NM_022089.4(ATP13A2):c.1819C>T (p.Leu607Phe)

Gene: ATP13A2 (ATPase cation transporting 13A2; minus strand). Cytogenetic location: 1p36.13.
Variant type: single nucleotide variant.
Coding change: c.1819C>T on transcript NM_022089.4 (MANE Select); coding-DNA position 1819, C replaced by T.
Protein change: p.Leu607Phe; replaces leucine 607 with phenylalanine.
Molecular consequence: missense variant.
Genome position (GRCh38, 1-based): chr1:16,992,512, G>A on the plus strand (C>T on the coding strand, the complement: ATP13A2 is on the minus strand). VCF-style: chr1-16992512-G-A. GRCh37 (hg19) VCF-style: chr1-17319007-G-A.
Other names: c.1804C>T, p.Leu602Phe (NM_001141973.3, NM_001141974.3); short protein forms L607F, L602F.
Identifiers: ClinVar variation 588238 (VCV000588238.5), dbSNP rs772266257, ClinGen allele CA637078.